The following is an entry in ClinVar:

ClinVar aggregate classification (germline): Uncertain significance. Review status: criteria provided, multiple submitters, no conflicts (2 of 4 stars). 2 submissions from 2 submitters: Uncertain significance (2). Last evaluated 2024-02-06.

Conditions:
Hereditary nonpolyposis colorectal neoplasms. Identifiers: MedGen C0009405, MeSH D003123.
Hereditary cancer-predisposing syndrome. Also called: Tumor predisposition; Hereditary neoplastic syndrome; Neoplastic Syndromes, Hereditary; Hereditary Cancer Syndrome. Identifiers: Orphanet 140162, MedGen C0027672, MeSH D009386, MONDO:0015356.

Allele frequency attached by ClinVar (database versions not stated): TOPMed below 0.00001.

Submissions (2):

Ambry Genetics
Classification: Uncertain significance for Hereditary cancer-predisposing syndrome. Last evaluated: 2024-02-06. Review status: criteria provided, single submitter. Criteria: Ambry Variant Classification Scheme 2023. Collection method: clinical testing. Allele origin: germline.
Comment: The p.I695V variant (also known as c.2083A>G), located in coding exon 12 of the PMS2 gene, results from an A to G substitution at nucleotide position 2083. The isoleucine at codon 695 is replaced by valine, an amino acid with highly similar properties. This amino acid position is conserved. In addition, this alteration is predicted to be tolerated by in silico analysis. Based on the available evidence, the clinical significance of this alteration remains unclear.

Labcorp Genetics (formerly Invitae), Labcorp
Classification: Uncertain significance for Hereditary nonpolyposis colorectal neoplasms. Last evaluated: 2022-09-24. Review status: criteria provided, single submitter. Criteria: Invitae Variant Classification Sherloc (09022015). Collection method: clinical testing. Allele origin: germline.
Comment: In summary, the available evidence is currently insufficient to determine the role of this variant in disease. Therefore, it has been classified as a Variant of Uncertain Significance. Advanced modeling of protein sequence and biophysical properties (such as structural, functional, and spatial information, amino acid conservation, physicochemical variation, residue mobility, and thermodynamic stability) performed at Invitae indicates that this missense variant is not expected to disrupt PMS2 protein function. This variant has not been reported in the literature in individuals affected with PMS2-related conditions. The frequency data for this variant in the population databases (gnomAD) is considered unreliable due to the presence of homologous sequence, such as pseudogenes or paralogs, in the genome. This sequence change replaces isoleucine, which is neutral and non-polar, with valine, which is neutral and non-polar, at codon 695 of the PMS2 protein (p.Ile695Val).

NM_000535.7(PMS2):c.2083A>G (p.Ile695Val)

Gene: PMS2 (PMS1 homolog 2, mismatch repair system component; minus strand). Cytogenetic location: 7p22.1.
Variant type: single nucleotide variant.
Coding change: c.2083A>G on transcript NM_000535.7 (MANE Select); coding-DNA position 2083, A replaced by G.
Protein change: p.Ile695Val; replaces isoleucine 695 with valine.
Molecular consequence: missense variant. On other transcripts: non-coding transcript variant (1).
Genome position (GRCh38, 1-based): chr7:5,982,915, T>C on the plus strand (A>G on the coding strand, the complement: PMS2 is on the minus strand). VCF-style: chr7-5982915-T-C. GRCh37 (hg19) VCF-style: chr7-6022546-T-C.
Other names: c.1678A>G, p.Ile560Val (NM_001018040.1, NM_001322003.2, NM_001322004.2 and 15 more transcripts); c.1927A>G, p.Ile643Val (NM_001322006.2, NM_001406870.1); c.1765A>G, p.Ile589Val (NM_001322007.2, NM_001322008.2, NM_001406876.1 and 1 more transcripts); c.1522A>G, p.Ile508Val (NM_001322010.2, NM_001406906.1, NM_001406907.1); c.1150A>G, p.Ile384Val (NM_001322011.2, NM_001322012.2); c.1510A>G, p.Ile504Val (NM_001322013.2, NM_001406909.1); c.2083A>G, p.Ile695Val (NM_001322014.2, NM_001406871.1); c.1774A>G, p.Ile592Val (NM_001322015.2, NM_001406875.1, NM_001406877.1 and 5 more transcripts); and 13 more; short protein forms I384V, I438V, I560V, I573V, I592V, I643V, I659V, I757V.
Identifiers: ClinVar variation 2200026 (VCV002200026.5), dbSNP rs1313824270, ClinGen allele CA366738034.